The following is an entry in ClinVar:

NC_000001.10:g.(?_63881524)_(63885131_?)del

Gene: ALG6 (ALG6 alpha-1,3-glucosyltransferase; plus strand). Cytogenetic location: 1p31.3.
Variant type: Deletion.
Identifiers: ClinVar variation 3247795 (VCV003247795.1).

ClinVar aggregate classification (germline): Pathogenic (1 of 4 stars; one submission).

Conditions:
ALG6-congenital disorder of glycosylation 1C (CDG1C). Also called: CDG Ic; Congenital disorder of glycosylation, type Ic; CARBOHYDRATE-DEFICIENT GLYCOPROTEIN SYNDROME, TYPE I, WITH DEFICIENT GLYCOSYLATION OF DOLICHOL-LINKED OLIGOSACCHARIDE; CARBOHYDRATE-DEFICIENT GLYCOPROTEIN SYNDROME, TYPE V; Congenital disorder of glycosylation type 1C. Identifiers: Orphanet 79320, MedGen C2930997, MONDO:0011291, OMIM 603147.

Submission:

Labcorp Genetics (formerly Invitae), Labcorp
Classification: Pathogenic for ALG6-congenital disorder of glycosylation 1C. Last evaluated: 2023-02-08. Review status: criteria provided, single submitter. Criteria: Invitae Variant Classification Sherloc (09022015). Collection method: clinical testing. Allele origin: unknown.
Comment: This variant is a gross deletion of the genomic region encompassing exon(s) 11-12 of the ALG6 gene. This variant would be expected to be in-frame, preserving the integrity of the reading frame. This variant has not been reported in the literature in individuals affected with ALG6-related conditions. This variant disrupts a region of the ALG6 protein in which other variant(s) (p.Ala333Val) have been determined to be pathogenic (PMID: 10359825, 10914684, 11106564, 20447155). This suggests that this is a clinically significant region of the protein, and that variants that disrupt it are likely to be disease-causing. For these reasons, this variant has been classified as Pathogenic.

Literature cited by the submitters: PubMed 10359825; PubMed 10914684; PubMed 11106564; PubMed 20447155.